The following is an entry in ClinVar:

ClinVar aggregate classification (germline): Conflicting classifications of pathogenicity. Review status: criteria provided, conflicting classifications (1 of 4 stars). 6 submissions from 6 submitters: Uncertain significance (4); Likely benign (1). 1 of the submissions does not count toward it. Last evaluated 2025-12-08.

Conditions:
Hereditary breast ovarian cancer syndrome. Also called: BRCA1- and BRCA2-Associated Hereditary Breast and Ovarian Cancer; Hereditary breast and ovarian cancer syndrome (HBOC); Hereditary breast and ovarian cancer syndrome; Breast and ovarian cancer; Hereditary breast and ovarian cancer; Hereditary breast and/or ovarian cancer syndrome. Identifiers: Orphanet 145, MedGen C0677776, MeSH D061325, MONDO:0003582. Disease mechanism: loss of function.
BRCA1-related cancer predisposition. Identifiers: MedGen CN377757, MONDO:0700268.
Hereditary cancer-predisposing syndrome. Also called: Hereditary Cancer Syndrome; Hereditary neoplastic syndrome; Neoplastic Syndromes, Hereditary; Tumor predisposition. Identifiers: Orphanet 140162, MedGen C0027672, MeSH D009386, MONDO:0015356.
Breast-ovarian cancer, familial, susceptibility to, 1 (BROVCA1). Also called: OVARIAN CANCER, SUSCEPTIBILITY TO; BRCA1 Hereditary Breast and Ovarian Cancer. Identifiers: Orphanet 145, MedGen C2676676, MONDO:0011450, OMIM 604370. Disease mechanism: loss of function.

Allele frequency attached by ClinVar (database versions not stated): gnomAD exomes below 0.00001; TOPMed below 0.00001.
gnomAD v4.1: 3 of 1,613,788 alleles (0.00019%); highest among the groups gnomAD compares: South Asian, 0.0011%; no homozygotes.

Submissions (7):

Ambry Genetics
Classification: Uncertain significance for Hereditary cancer-predisposing syndrome. Last evaluated: 2025-12-08. Review status: criteria provided, single submitter. Criteria: Ambry Variant Classification Scheme 2023. Collection method: clinical testing. Allele origin: germline.
Comment: The p.Q1779E variant (also known as c.5335C>G), located in coding exon 20 of the BRCA1 gene, results from a C to G substitution at nucleotide position 5335. The glutamine at codon 1779 is replaced by glutamic acid, an amino acid with highly similar properties. This amino acid position is well conserved in available vertebrate species. In addition, the in silico prediction for this alteration is inconclusive. Since supporting evidence is limited at this time, the clinical significance of this alteration remains unclear.

Labcorp Genetics (formerly Invitae), Labcorp
Classification: Uncertain significance for Hereditary breast ovarian cancer syndrome. Last evaluated: 2025-11-15. Review status: criteria provided, single submitter. Criteria: Invitae Variant Classification Sherloc (09022015). Collection method: clinical testing. Allele origin: germline.
Comment: This sequence change replaces glutamine, which is neutral and polar, with glutamic acid, which is acidic and polar, at codon 1779 of the BRCA1 protein (p.Gln1779Glu). This variant is present in population databases (no rsID available, gnomAD 0.0009%). This variant has not been reported in the literature in individuals affected with BRCA1-related conditions. ClinVar contains an entry for this variant (Variation ID: 825658). An algorithm developed to predict the effect of missense changes on protein structure and function outputs the following: PolyPhen-2: "Possibly Damaging". The glutamic acid amino acid residue is found in multiple mammalian species, which suggests that this missense change does not adversely affect protein function. Experimental studies have shown that this missense change does not substantially affect BRCA1 function (PMID: 30209399). In summary, the available evidence is currently insufficient to determine the role of this variant in disease. Therefore, it has been classified as a Variant of Uncertain Significance.

All of Us Research Program, National Institutes of Health
Classification: Uncertain significance for BRCA1-related cancer predisposition. Last evaluated: 2024-05-30. Review status: criteria provided, single submitter. Criteria: ACMG Guidelines, 2015. Collection method: clinical testing. Allele origin: germline. Inheritance: Autosomal dominant inheritance. Observed: 1 variant allele, 1 heterozygote.
Comment: This missense variant replaces glutamine with glutamic acid at codon 1779 of the BRCA1 protein. Computational prediction suggests that this variant may not impact protein structure and function (internally defined REVEL score threshold <= 0.5, PMID: 27666373). Splice site prediction tools suggest that this variant may not impact RNA splicing. This variant has been reported to be functional in a haploid cell proliferation assay (PMID: 30209399). This variant has not been reported in individuals affected with hereditary cancer in the literature. This variant has been identified in 1/251414 chromosomes in the general population by the Genome Aggregation Database (gnomAD). The available evidence is insufficient to determine the role of this variant in disease conclusively. Therefore, this variant is classified as a Variant of Uncertain Significance.

This study involves interpretation of variants in research participants for the purpose of population health screening. Participant phenotype was not available at the time of variant classification. Additional details can be found in publication PMID: 35346344, PMCID: PMC8962531

Lupski Lab, Baylor-Hopkins CMG, Baylor College of Medicine
Classification: Likely benign for Breast-ovarian cancer, familial, susceptibility to, 1. Last evaluated: 2024-04-12. Review status: criteria provided, single submitter. Criteria: Dawood et al. (medRxiv. 2024). Collection method: curation. Allele origin: germline.
Comment: Each variant was annotated with functional scores from MAVE data which was translated into functional evidence codes. All other evidence codes and combining criteria were adhered to as closely as possible based on the ClinGen VCEP (Variant Curation Expert Panel) gene-specific recommendations. See Supplemental Figure 34 of final paper (Supp Fig. 28 in preprint: doi:10.1101/2024.04.11.24305690) for a table to see which lines of evidence we did not have data for. The ClinGen VCEPs are highly regarded as the gold-standard for gene-specific variant curation and are developed after extensive evaluation of the evidence by clinical and scientific experts for the particular gene to classify genomic variants on a spectrum from pathogenic to benign using the 2015 ACMG/AMP Variant Interpretation Guidelines as a backbone (PMID: 25741868). Reclassification of these VUS variants from gnomAD or All of Us focused only on variants originally prescribed as VUS in ClinVar. To ensure reproducibility, transparency, and increased throughput, all the procedures for annotating variants and assigning evidence codes were codified using Python. All code has been made freely available and is linked in the Code Availability section and all reclassified variants with evidence codes used can be found in Tables S18-19 (preprint: doi:10.1101/2024.04.11.24305690). For the MAVE data, the clinical curation and clinical strength assignment as per the ClinGen recommendations in Brnich et al. (2020) (PMID: 31892348) for or against pathogenicity or benignity of each of these MAVE datasets utilized in this study were previously published in Fayer et al. (2021) (PMID: 34793697).In brief, for BRCA1 variants, if a variant was categorized as FUNC (functional), it was assigned BS3 evidence and no PS3 evidence, whereas if it was categorized as LOF (loss of function), the variant was assigned PS3 evidence and no BS3 evidence. Variants categorized as INT (intermediate) were left unannotated. For the BRCA1 combining criteria, greater than or equal to 1 criteria of strong benign evidence was enough to reclassify the VUS as Likely Benign. This variant GRCh37:17:41201209:G>C was assigned evidence codes ['BS3', 'BP4'] and an overall classification of Likely Benign

Color Diagnostics, LLC DBA Color Health
Classification: Uncertain significance for Hereditary cancer-predisposing syndrome. Last evaluated: 2023-12-05. Review status: criteria provided, single submitter. Criteria: ACMG Guidelines, 2015. Collection method: clinical testing. Allele origin: germline.
Comment: This missense variant replaces glutamine with glutamic acid at codon 1779 of the BRCA1 protein. Computational prediction suggests that this variant may not impact protein structure and function. This variant has been reported to be functional in a haploid cell proliferation assay (PMID: 30209399). This variant has not been reported in individuals affected with hereditary cancer in the literature. This variant has been identified in 1/251414 chromosomes in the general population by the Genome Aggregation Database (gnomAD). The available evidence is insufficient to determine the role of this variant in disease conclusively. Therefore, this variant is classified as a Variant of Uncertain Significance.

Brotman Baty Institute, University of Washington
No classification provided (evidence only). Condition: Breast-ovarian cancer, familial 1. Review status: no classification provided. Collection method: in vitro. Allele origin: not applicable. Functional consequence: functionally_normal. Not counted in ClinVar's aggregate classification.
ClinVar note: "not provided" was previously submitted as the classification for the variant. However, the classification appeared to be based only on an observation of functional data so it was converted to no classification on 2025-07-30.

Department of Pathology and Laboratory Medicine, Sinai Health System
Classification: Uncertain significance. Review status: no assertion criteria provided. Collection method: clinical testing. Allele origin: unknown. Affected: yes. Study: The Canadian Open Genetics Repository (COGR). Not counted in ClinVar's aggregate classification.
Comment: The BRCA1 p.Gln1779Glu variant was not identified in the literature nor was it identified in the dbSNP, ClinVar, LOVD 3.0, or UMD-LSDB, databases. The variant was identified in control databases in 1 of 246196 chromosomes at a frequency of 0.000004 (Genome Aggregation Database Feb 27, 2017). The variant was observed in the European in 1 of 111660 chromosomes (freq: 0.000009), while the variant was not observed in the African, Other, Latino, Ashkenazi Jewish, East Asian, Finnish, and South Asian populations. The p.Gln1779 residue is not conserved in mammals and four out of five computational analyses (PolyPhen-2, SIFT, AlignGVGD, BLOSUM, MutationTaster) do not suggest a high likelihood of impact to the protein; however, this information is not predictive enough to rule out pathogenicity. The variant occurs outside of the splicing consensus sequence and 1 of 4 in silico or computational prediction software programs (SpliceSiteFinder, MaxEntScan, NNSPLICE, GeneSplicer) predict a greater than 10% difference in splicing, however, this information is not predictive enough to assume pathogenicity. In summary, based on the above information the clinical significance of this variant cannot be determined with certainty at this time. This variant is classified as a variant of uncertain significance.

Literature cited by the submitters: PubMed 30209399 (cited by 3 submitters); PubMed 39142283 (cited by Lupski Lab, Baylor-Hopkins CMG, Baylor College of Medicine); PubMed 34793697 (cited by Lupski Lab, Baylor-Hopkins CMG, Baylor College of Medicine); DOI 10.1101/2024.04.11.24305690 (cited by Lupski Lab, Baylor-Hopkins CMG, Baylor College of Medicine).

NM_007294.4(BRCA1):c.5335C>G (p.Gln1779Glu)

Gene: BRCA1 (BRCA1 DNA repair associated; minus strand). Cytogenetic location: 17q21.31.
Variant type: single nucleotide variant.
Coding change: c.5335C>G on transcript NM_007294.4 (MANE Select); coding-DNA position 5335, C replaced by G.
Protein change: p.Gln1779Glu; replaces glutamine 1779 with glutamic acid.
Molecular consequence: missense variant. On other transcripts: non-coding transcript variant (1), intron variant (1).
Genome position (GRCh38, 1-based): chr17:43,049,192, G>C on the plus strand (C>G on the coding strand, the complement: BRCA1 is on the minus strand). VCF-style: chr17-43049192-G-C. GRCh37 (hg19) VCF-style: chr17-41201209-G-C.
Other names: c.5122C>G, p.Gln1708Glu (NM_001407571.1, NM_001407902.1, NM_001407904.1 and 12 more transcripts); c.5401C>G, p.Gln1801Glu (NM_001407581.1, NM_001407582.1); c.5398C>G, p.Gln1800Glu (NM_001407583.1, NM_001407585.1, NM_001407587.1 and 1 more transcripts); c.5395C>G, p.Gln1799Glu (NM_001407590.1, NM_001407591.1); c.5335C>G, p.Gln1779Glu (NM_001407593.1, NM_001407594.1, NM_001407596.1 and 5 more transcripts); c.5332C>G, p.Gln1778Glu (NM_001407610.1, NM_001407611.1, NM_001407612.1 and 14 more transcripts); c.5329C>G, p.Gln1777Glu (NM_001407627.1, NM_001407628.1, NM_001407629.1 and 13 more transcripts); c.5326C>G, p.Gln1776Glu (NM_001407644.1, NM_001407645.1); and 73 more; short protein forms Q1779E, Q1800E, Q1732E, Q675E, Q1625E, Q1691E, Q1711E, Q1735E.
Identifiers: ClinVar variation 825658 (VCV000825658.23), dbSNP rs397509267, ClinGen allele CA10590792.